The following continues an entry in ClinVar:

NM_000053.4(ATP7B):c.2128G>A (p.Gly710Ser)

Gene: ATP7B. ClinVar aggregate classification (germline): Pathogenic/Likely pathogenic. Pathogenic (21); Likely pathogenic (1).

Submissions 12 to 24 of 24:

Baylor Genetics
Classification: Pathogenic for Wilson disease. Last evaluated: 2024-03-18. Review status: criteria provided, single submitter. Criteria: ACMG Guidelines, 2015. Collection method: clinical testing. Allele origin: unknown.

Mayo Clinic Laboratories, Mayo Clinic
Classification: Pathogenic. Last evaluated: 2023-10-17. Review status: criteria provided, single submitter. Criteria: ACMG Guidelines, 2015. Collection method: clinical testing. Allele origin: germline.
Comment: PP3, PP4, PM2_moderate, PM3, PS3, PS4_moderate

Revvity Omics, Revvity
Classification: Pathogenic for Wilson disease. Last evaluated: 2023-05-06. Review status: criteria provided, single submitter. Criteria: ACMG Guidelines, 2015. Collection method: clinical testing. Allele origin: germline.

Genome-Nilou Lab
Classification: Pathogenic for Wilson disease. Last evaluated: 2021-08-10. Review status: criteria provided, single submitter. Criteria: ACMG Guidelines, 2015. Collection method: clinical testing. Allele origin: germline. Affected: no.

ARUP Laboratories, Molecular Genetics and Genomics, ARUP Laboratories
Classification: Pathogenic for Wilson disease. Last evaluated: 2019-05-06. Review status: criteria provided, single submitter. Criteria: ARUP Molecular Germline Variant Investigation Process. Collection method: clinical testing. Allele origin: germline.
Comment: The ATP7B c.2128G>A; p.Gly710Ser variant (rs137853285) has been reported in multiple individuals with Wilson disease, either homozygously or compound heterozygously (Hofer 2012, Hua 2016, Li 2011, Shah 1997, Waldenstrom 1996). Additionally, functional analysis has shown the variant protein to have decreased copper uptake and transport (Huster 2012). This variant is reported in ClinVar (Variation ID: 156281), and observed in the general population with a low overall frequency of 0.002% (4/248838 alleles) in the Genome Aggregation Database. The glycine at codon 710 is highly conserved, and computational algorithms (SIFT, PolyPhen-2) predict this variant to be damaging to the protein. Based on the above information, this variant is considered pathogenic. REFERENCES Hofer H et al. Identification of a novel Wilson disease gene mutation frequent in Upper Austria: a genetic and clinical study. J Hum Genet. 2012 Sep;57(9):564-7. Hua R et al. Mutational analysis of ATP7B in Chinese Wilson disease patients. Am J Transl Res. 2016 Jun 15;8(6):2851-61. Huster D et al. Diverse functional properties of Wilson disease ATP7B variants. Gastroenterology. 2012 Apr;142(4):947-956.e5. Li XH et al. Clinical and molecular characterization of Wilson's disease in China: identification of 14 novel mutations. BMC Med Genet. 2011 Jan 11;12:6. Shah AB et al. Identification and analysis of mutations in the Wilson disease gene (ATP7B): population frequencies, genotype-phenotype correlation, and functional analyses. Am J Hum Genet. 1997 Aug;61(2):317-28. Waldenstrom E et al. Efficient detection of mutations in Wilson disease by manifold sequencing. Genomics. 1996 Nov 1;37(3):303-9.

Eurofins Ntd Llc (ga)
Classification: Pathogenic. Last evaluated: 2016-10-26. Review status: criteria provided, single submitter. Criteria: EGL Classification Definitions 2015. Collection method: clinical testing. Allele origin: germline. Observed: 1 variant allele, 1 heterozygote.

Women's Health and Genetics/Laboratory Corporation of America, LabCorp
Classification: Pathogenic for Wilson disease. Last evaluated: 2016-06-23. Review status: criteria provided, single submitter. Criteria: LabCorp Variant Classification Summary - May 2015. Collection method: clinical testing. Allele origin: germline.
Comment: Variant summary: The c.2128G>A (p.Gly710Ser) in ATP7B gene is a missense change that is located in a loop 2-3 of the A-domain; it involves a highly conserved nucleotide and 4/5 in silico tools predict deleterious outcome. These predictions were confirmed by results of functional studies. The variant is absent from the control population dataset of ExAC. The variant was identified in multiple affected individuals (homozygotes or compound heterozygotes) presented with a classic symptoms of a WD (lowered plasma ceruloplasmin, free serum and urinary copper concentration, and the occurrence of KayserFleischer ringscharacteristic copper deposition in the corneal periphery). The variant of interest has been reported as Pathogenic by reputable database/clinical laboratory. Taking together, the variant was classified as Pathogenic.

Genetic Services Laboratory, University of Chicago
Classification: Pathogenic for Wilson disease. Last evaluated: 2013-12-20. Review status: criteria provided, single submitter. Criteria: ACMG Guidelines, 2007. Collection method: clinical testing. Allele origin: germline. Inheritance: Autosomal recessive inheritance. Affected: yes.

Department of Traditional Chinese Medicine, Fujian Provincial Hospital
Classification: Pathogenic for Wilson disease. Review status: criteria provided, single submitter. Criteria: ACMG Guidelines, 2015. Collection method: research. Allele origin: inherited.
Comment: According to the ACMG guidelines, this mutation conforms to: PM3_VeryStrong (For recessive disorders, detected in trans with a pathogenic variant.); PM2_Supporting (Absent from controls in Exome Sequencing Project, 1000 Genomes or ExAC.)； PP3 (Multiple lines of computational evidence support a deleterious effect on the gene or gene product)； PS3_Supporting (Well-established in vitro or in vivo functional studies supportive of a damaging effect on the gene or gene product.)； And PP4 (Patient’s phenotype or family history is highly specific for a disease with a single genetic etiology.). Therefore, this mutation point is considered to be pathogenic.

Juno Genomics, Hangzhou Juno Genomics, Inc
Classification: Pathogenic for Wilson disease. Review status: criteria provided, single submitter. Criteria: ACMG Guidelines, 2015. Collection method: clinical testing. Allele origin: germline. Affected: yes.
Comment: Absent from controls (or at extremely low frequency if recessive) in Genome Aggregation Database, Exome Sequencing Project, 1000 Genomes Project, or Exome Aggregation Consortium.;Multiple lines of computational evidence support a deleterious effect on the gene or gene product (conservation, evolutionary, splicing impact, etc).;For recessive disorders, detected in trans with a pathogenic variant.;Patient's phenotype or family history is highly specific for a disease with a single genetic etiology.;Co-segregation with disease in multiple affected family members in a gene definitively known to cause the disease.

Neuberg Centre For Genomic Medicine, NCGM
Classification: Pathogenic for Wilson disease. Review status: criteria provided, single submitter. Criteria: ACMG Guidelines, 2015. Collection method: clinical testing. Allele origin: germline. Inheritance: Autosomal recessive inheritance. Affected: yes.
Comment: The missense c.2128G>A (p.Gly710Ser) variant in the ATP7B gene which is located in a mutational hot spot has been reported previously in a compound heterozygous state in individuals affected with Wilson disease. Functional studies of the G710S variant indicate that this variant leads to significantly decreased copper intake (Stättermayer et al., 2019; Huster et al., 2012). Different amino acid change affecting codon 710 (p.Gly710Ala) is reported as a known pathogenic variant (Stättermayer et al., 2019). The amino acid Glycine at position 710 is changed to a Serine changing protein sequence and it might alter its composition and physico-chemical properties. This variant has been reported to the ClinVar database as Pathogenic (multiple submitters). Multiple lines of computational evidence (Polyphen - Damaging, SIFT - Damaging and MutationTaster - Disease causing) predict a damaging effect on protein structure and function for this variant. The amino acid change p.Gly710Ser in ATP7B is predicted as conserved by GERP++ and PhyloP across 100 vertebrates. For these reasons, this variant has been classified as Pathogenic.

Counsyl
Classification: Pathogenic for Wilson disease. Last evaluated: 2016-11-30. Review status: no assertion criteria provided. Collection method: clinical testing. Allele origin: unknown. Not counted in ClinVar's aggregate classification.

ClinVar Staff, National Center for Biotechnology Information (NCBI)
No classification provided. Condition: Wilson's disease. Review status: no classification provided. Collection method: not provided. Allele origin: not provided. Not counted in ClinVar's aggregate classification.

Literature cited by the submitters: PubMed 8938442 (cited by 6 submitters); PubMed 10544227 (cited by 6 submitters); PubMed 16133174 (cited by 6 submitters); PubMed 16233999 (cited by 4 submitters); PubMed 17433323 (cited by 4 submitters); PubMed 22240481 (cited by 8 submitters); PubMed 33640437 (cited by Natera, Inc.); PubMed 15967699 (cited by 5 submitters); PubMed 27398169 (cited by 4 submitters); PubMed 9311736 (cited by 5 submitters); PubMed 10406672 (cited by 4 submitters); PubMed 11690702 (cited by 4 submitters); PubMed 11857545 (cited by 5 submitters); PubMed 19596473 (cited by 4 submitters); PubMed 24253677 (cited by 4 submitters); PubMed 26215059 (cited by 3 submitters); PubMed 31708252 (cited by Color Diagnostics, LLC DBA Color Health and All of Us Research Program, National Institutes of Health); PubMed 35245129 (cited by Color Diagnostics, LLC DBA Color Health and All of Us Research Program, National Institutes of Health); PubMed 12557139 (cited by 4 submitters); PubMed 23333878 (cited by 3 submitters); PubMed 17717039 (cited by Mayo Clinic Laboratories, Mayo Clinic); PubMed 34400371 (cited by Mayo Clinic Laboratories, Mayo Clinic); PubMed 35220961 (cited by Mayo Clinic Laboratories, Mayo Clinic); PubMed 22692182 (cited by Eurofins Ntd Llc (ga)); PubMed 9887381 (cited by Women's Health and Genetics/Laboratory Corporation of America, LabCorp); PubMed 17919502 (cited by Women's Health and Genetics/Laboratory Corporation of America, LabCorp).